The following is an entry in ClinVar:

ClinVar aggregate classification (germline): Uncertain significance. Review status: criteria provided, multiple submitters, no conflicts (2 of 4 stars). 4 submissions from 4 submitters: Uncertain significance (4). Last evaluated 2026-07-13.

Conditions:
Charcot-Marie-Tooth disease. Also called: Charcot-Marie-Tooth Neuropathy; Charcot-Marie-Tooth Hereditary Neuropathy. Identifiers: Orphanet 166, MedGen C0007959, MONDO:0015626.
Inborn genetic diseases. Identifiers: MedGen C0950123, MeSH D030342.
SBF2-related disorder. Also called: SBF2-related condition.
Charcot-Marie-Tooth disease type 4. Also called: Charcot-Marie-Tooth, Type 4; Charcot-Marie-Tooth disease, type IV. Identifiers: Orphanet 64749, MedGen C4082197, MONDO:0018995.

Allele frequency attached by ClinVar (database versions not stated): ExAC 0.00004; gnomAD 0.00004 and 0.00005; gnomAD exomes 0.00004 and 0.00013; TOPMed 0.00006; ESP Exome Variant Server 0.00008.
gnomAD v4.1: 199 of 1,613,902 alleles (0.012%); highest among the groups gnomAD compares: Non-Finnish European, 0.016%; no homozygotes.

Submissions (4):

PreventionGenetics, part of Exact Sciences
Classification: Uncertain significance for SBF2-related condition. Last evaluated: 2026-07-13. Review status: criteria provided, single submitter. Criteria: ACMG Guidelines, 2015. Collection method: clinical testing. Allele origin: germline.
Comment: The SBF2 c.190A>G variant is predicted to result in the amino acid substitution p.Thr64Ala. This variant has been reported as a variant of uncertain significance in an individual from a large cohort study of Charcot-Marie-Tooth disease; however, additional evidence was not provided (Suppl. Table 2, Volodarsky et al. 2021. PubMed ID: 32376792). This variant is reported in 0.0070% of alleles in individuals of European (Non-Finnish) descent in gnomAD. At this time, the clinical significance of this variant is uncertain due to the absence of conclusive functional and genetic evidence.

Labcorp Genetics (formerly Invitae), Labcorp
Classification: Uncertain significance for Charcot-Marie-Tooth disease type 4. Last evaluated: 2022-08-15. Review status: criteria provided, single submitter. Criteria: Invitae Variant Classification Sherloc (09022015). Collection method: clinical testing. Allele origin: germline.
Comment: This sequence change replaces threonine, which is neutral and polar, with alanine, which is neutral and non-polar, at codon 64 of the SBF2 protein (p.Thr64Ala). This variant is present in population databases (rs374114606, gnomAD 0.007%). This missense change has been observed in individual(s) with clinical features of Charcot-Marie-Tooth disease (PMID: 32376792). ClinVar contains an entry for this variant (Variation ID: 649539). Algorithms developed to predict the effect of missense changes on protein structure and function are either unavailable or do not agree on the potential impact of this missense change (SIFT: "Tolerated"; PolyPhen-2: "Possibly Damaging"; Align-GVGD: "Class C0"). In summary, the available evidence is currently insufficient to determine the role of this variant in disease. Therefore, it has been classified as a Variant of Uncertain Significance.

Ambry Genetics
Classification: Uncertain significance for Inborn genetic diseases. Last evaluated: 2020-07-28. Review status: criteria provided, single submitter. Criteria: Ambry Variant Classification Scheme 2023. Collection method: clinical testing. Allele origin: germline.
Comment: The p.T64A variant (also known as c.190A>G), located in coding exon 3 of the SBF2 gene, results from an A to G substitution at nucleotide position 190. The threonine at codon 64 is replaced by alanine, an amino acid with similar properties. This amino acid position is highly conserved in available vertebrate species. In addition, the in silico prediction for this alteration is inconclusive. Since supporting evidence is limited at this time, the clinical significance of this alteration remains unclear.

Molecular Genetics Laboratory, London Health Sciences Centre
Classification: Uncertain significance for Charcot-Marie-Tooth disease. Review status: criteria provided, single submitter. Criteria: ACMG Guidelines, 2015. Collection method: clinical testing. Allele origin: germline. Affected: yes.

Literature cited by the submitters: PubMed 32376792 (cited by Labcorp Genetics (formerly Invitae), Labcorp).

NM_030962.4(SBF2):c.190A>G (p.Thr64Ala)

Gene: SBF2 (SET binding factor 2; minus strand). Cytogenetic location: 11p15.4.
Variant type: single nucleotide variant.
Coding change: c.190A>G on transcript NM_030962.4 (MANE Select); coding-DNA position 190, A replaced by G.
Protein change: p.Thr64Ala; replaces threonine 64 with alanine.
Molecular consequence: missense variant.
Genome position (GRCh38, 1-based): chr11:10,042,933, T>C on the plus strand (A>G on the coding strand, the complement: SBF2 is on the minus strand). VCF-style: chr11-10042933-T-C. GRCh37 (hg19) VCF-style: chr11-10064480-T-C.
Other names: c.190A>G, p.Thr64Ala (NM_001386339.1, NM_001386342.1); short protein forms T64A.
Identifiers: ClinVar variation 649539 (VCV000649539.10), dbSNP rs374114606, ClinGen allele CA5882191.